The following is an entry in ClinVar:

ClinVar aggregate classification (germline): Uncertain significance (1 of 4 stars; one submission).

Conditions:
COG1 congenital disorder of glycosylation (CDG2G). Also called: CDG IIg; CDGII/COG1 CEREBROCOSTOMANDIBULAR-LIKE SYNDROME; CONGENITAL DISORDER OF GLYCOSYLATION, TYPE IIg. Identifiers: Orphanet 263508, MedGen C2931011, MONDO:0012637, OMIM 611209.

gnomAD v4.1: 6 of 1,614,178 alleles (0.00037%); highest among the groups gnomAD compares: Admixed American, 0.0017%; no homozygotes.

Submission:

Labcorp Genetics (formerly Invitae), Labcorp
Classification: Uncertain significance for COG1 congenital disorder of glycosylation. Last evaluated: 2021-08-12. Review status: criteria provided, single submitter. Criteria: Invitae Variant Classification Sherloc (09022015). Collection method: clinical testing. Allele origin: germline.
Comment: This variant has not been reported in the literature in individuals affected with COG1-related conditions. Algorithms developed to predict the effect of missense changes on protein structure and function are either unavailable or do not agree on the potential impact of this missense change (SIFT: "Deleterious"; PolyPhen-2: "Probably Damaging"; Align-GVGD: "Class C0"). In summary, the available evidence is currently insufficient to determine the role of this variant in disease. Therefore, it has been classified as a Variant of Uncertain Significance. This variant is present in population databases (rs146952271, ExAC 0.001%). This sequence change replaces arginine with tryptophan at codon 758 of the COG1 protein (p.Arg758Trp). The arginine residue is moderately conserved and there is a moderate physicochemical difference between arginine and tryptophan.

NM_018714.3(COG1):c.2272C>T (p.Arg758Trp)

Genes: COG1 (component of oligomeric golgi complex 1; plus strand), LOC125316790 (Sharpr-MPRA regulatory region 2581; plus strand). Cytogenetic location: 17q25.1.
Variant type: single nucleotide variant.
Coding change: c.2272C>T on transcript NM_018714.3 (MANE Select); coding-DNA position 2272, C replaced by T.
Protein change: p.Arg758Trp; replaces arginine 758 with tryptophan.
Molecular consequence: missense variant.
Genome position (GRCh38, 1-based): chr17:73,203,683, C>T. VCF-style: chr17-73203683-C-T. GRCh37 (hg19) VCF-style: chr17-71199822-C-T.
Other names: short protein forms R758W.
Identifiers: ClinVar variation 1519351 (VCV001519351.6), dbSNP rs146952271, ClinGen allele CA8740415.
Genomic context (GRCh38, chr17:73,203,683, plus strand): 5'-TTCTTTTAGCCGTCCTGGTATGTACAGTCCTTCCTGTTTAGTTTATGCCAGGAAATTAAT[C>T]GGGTTGGAGGCCATGCCTTGCCAAAGGTGACATTACAGGAGATGCTGAAAAGCTGTATGG-3'
Protein context (NP_061184.1, residues 748-768): FLFSLCQEIN[Arg758Trp]VGGHALPKVT